The following is an entry in ClinVar:

NM_004006.3(DMD):c.3666T>C (p.Asn1222=)

Gene: DMD (dystrophin; minus strand). Cytogenetic location: Xp21.1.
Variant type: single nucleotide variant.
Coding change: c.3666T>C on transcript NM_004006.3 (MANE Select); coding-DNA position 3666, T replaced by C.
Protein change: p.Asn1222=; no amino-acid change (asparagine 1222 retained).
Molecular consequence: synonymous variant.
Genome position (GRCh38, 1-based): chrX:32,448,576, A>G on the plus strand (T>C on the coding strand, the complement: DMD is on the minus strand). VCF-style: chrX-32448576-A-G. GRCh37 (hg19) VCF-style: chrX-32466693-A-G.
Other names: p.Asn1222=; c.3642T>C, p.Asn1214= (NM_000109.4); c.3654T>C, p.Asn1218= (NM_004009.3); c.3297T>C, p.Asn1099= (NM_004010.3).
Identifiers: ClinVar variation 368247 (VCV000368247.40), dbSNP rs373281760, ClinGen allele CA10379210.
Genomic context (GRCh38, chrX:32,448,576, plus strand): 5'-AGTTTCAAGTTCCTTTTTTAAGGCCTCTTGTGCTACAGGTGGAGCTTGAGCTATGACACT[A>G]TTTACAGACTCAGTAAGGAGTTTCACTTTCGCTTCTTTTTGTTGGGCCTCTTCTTTAGCT-3'
Protein context (NP_003997.2, residues 1212-1232): AKVKLLTESV[Asn1222=]SVIAQAPPVA

ClinVar aggregate classification (germline): Conflicting classifications of pathogenicity. Review status: criteria provided, conflicting classifications (1 of 4 stars). 9 submissions from 9 submitters: Uncertain significance (1); Benign (1); Likely benign (6). 1 of the submissions does not count toward it. Last evaluated 2026-01-27.

Conditions:
Duchenne muscular dystrophy (DMD). Also called: Duchenne Muscular Dystrophy (DMD); MUSCULAR DYSTROPHY, PSEUDOHYPERTROPHIC PROGRESSIVE, DUCHENNE TYPE. Identifiers: Orphanet 98896, MedGen C0013264, MONDO:0010679, OMIM 310200.
Dilated cardiomyopathy 3B (CMD3B). Also called: CMD3B: DMD-Related Dilated Cardiomyopathy; CARDIOMYOPATHY, DILATED, X-LINKED; DMD-Associated Dilated Cardiomyopathy. Identifiers: Orphanet 154, MedGen C3668940, MONDO:0010542, OMIM 302045.
Dystrophin deficiency.
Cardiomyopathy (CMYO). Also called: Cardiomyopathies. Identifiers: Orphanet 167848, MedGen C0878544, MONDO:0004994, HP:0001638. Inheritance: Various modes of inheritance.
Becker muscular dystrophy (BMD). Also called: MUSCULAR DYSTROPHY, PSEUDOHYPERTROPHIC PROGRESSIVE, BECKER TYPE; Becker Muscular Dystrophy (BMD). Identifiers: Orphanet 98895, MedGen C0917713, MONDO:0010311, OMIM 300376.
Cardiovascular phenotype. Identifiers: MedGen CN230736.

Allele frequency attached by ClinVar (database versions not stated): gnomAD exomes 0.00002 and 0.00005; ExAC 0.00005; ESP Exome Variant Server 0.00009; gnomAD 0.00017 and 0.00020; TOPMed 0.00022.
gnomAD v4.1: 45 of 1,206,751 alleles (0.0037%); highest among the groups gnomAD compares: African/African-American, 0.074%; no homozygotes.

Submissions (9):

Labcorp Genetics (formerly Invitae), Labcorp
Classification: Likely benign for Duchenne muscular dystrophy. Last evaluated: 2026-01-27. Review status: criteria provided, single submitter. Criteria: Invitae Variant Classification Sherloc (09022015). Collection method: clinical testing. Allele origin: germline.

Mayo Clinic Laboratories, Mayo Clinic
Classification: Likely benign. Last evaluated: 2025-06-13. Review status: criteria provided, single submitter. Criteria: ACMG Guidelines, 2015. Collection method: clinical testing. Allele origin: germline. Observed: 1 variant allele.
Comment: BP4, BP7

CeGaT Center for Human Genetics Tuebingen
Classification: Likely benign. Last evaluated: 2024-08-01. Review status: criteria provided, single submitter. Criteria: CeGaT Center For Human Genetics Tuebingen Variant Classification Criteria Version 2. Collection method: clinical testing. Allele origin: germline. Affected: yes. Observed: 1 variant allele.
Comment: DMD: BP4, BP7, BS2

Women's Health and Genetics/Laboratory Corporation of America, LabCorp
Classification: Benign. Last evaluated: 2023-08-19. Review status: criteria provided, single submitter. Criteria: LabCorp Variant Classification Summary - May 2015. Collection method: clinical testing. Allele origin: germline.

Ambry Genetics
Classification: Likely benign for Cardiovascular phenotype. Last evaluated: 2019-10-15. Review status: criteria provided, single submitter. Criteria: Ambry Variant Classification Scheme 2023. Collection method: clinical testing. Allele origin: germline.

Eurofins Ntd Llc (ga)
Classification: Likely benign. Last evaluated: 2018-06-14. Review status: criteria provided, single submitter. Criteria: EGL ClinVar v180209 classification definitions. Collection method: clinical testing. Allele origin: germline. Observed: 1 variant allele, 1 heterozygote.

GeneDx
Classification: Likely benign. Last evaluated: 2018-06-11. Review status: criteria provided, single submitter. Criteria: GeneDx Variant Classification (06012015). Collection method: clinical testing. Allele origin: germline. Affected: yes.
Comment: This variant is considered likely benign or benign based on one or more of the following criteria: it is a conservative change, it occurs at a poorly conserved position in the protein, it is predicted to be benign by multiple in silico algorithms, and/or has population frequency not consistent with disease.

Illumina Laboratory Services, Illumina
Classification: Uncertain significance for Dilated cardiomyopathy 3B. Last evaluated: 2018-01-13. Review status: criteria provided, single submitter. Criteria: ICSL Variant Classification Criteria 13 December 2019. Collection method: clinical testing. Allele origin: germline.

Natera, Inc.
Classification: Likely benign for Becker muscular dystrophy; Cardiomyopathy; Duchenne muscular dystrophy; Dystrophin deficiency. Last evaluated: 2018-06-03. Review status: no assertion criteria provided. Collection method: clinical testing. Allele origin: germline. Not counted in ClinVar's aggregate classification.